The following is an entry in ClinVar:

ClinVar aggregate classification (germline): Uncertain significance (1 of 4 stars; one submission).

Conditions:
CSMD1-related disorder. Also called: CSMD1-related condition.

gnomAD v4.1: 5 of 1,551,948 alleles (0.00032%); highest among the groups gnomAD compares: South Asian, 0.0012%; no homozygotes.

Submission:

PreventionGenetics, part of Exact Sciences
Classification: Uncertain significance for CSMD1-related condition. Last evaluated: 2023-06-27. Review status: criteria provided, single submitter. Criteria: ACMG Guidelines, 2015. Collection method: clinical testing. Allele origin: germline.
Comment: The CSMD1 c.4709T>C variant is predicted to result in the amino acid substitution p.Ile1570Thr. To our knowledge, this variant has not been reported in the literature or in a large population database, indicating this variant is rare. At this time, the clinical significance of this variant is uncertain due to the absence of conclusive functional and genetic evidence.

NM_033225.6(CSMD1):c.4709T>C (p.Ile1570Thr)

Gene: CSMD1 (CUB and Sushi multiple domains 1; minus strand). Cytogenetic location: 8p23.2.
Variant type: single nucleotide variant.
Coding change: c.4709T>C on transcript NM_033225.6 (MANE Select); coding-DNA position 4709, T replaced by C.
Protein change: p.Ile1570Thr; replaces isoleucine 1570 with threonine.
Molecular consequence: missense variant.
Genome position (GRCh38, 1-based): chr8:3,214,655, A>G on the plus strand (T>C on the coding strand, the complement: CSMD1 is on the minus strand). VCF-style: chr8-3214655-A-G. GRCh37 (hg19) VCF-style: chr8-3072177-A-G.
Other names: short protein forms I1570T.
Identifiers: ClinVar variation 2629559 (VCV002629559.1), dbSNP rs1585678258, ClinGen allele CA369973526.
Genomic context (GRCh38, chr8:3,214,655, plus strand): 5'-CACTGGTAGGTGATGGTGGAGCCAAGCTTGAAGTCTGTTCCAACTCTTGTCCCATTCATT[A>G]TATTTCCTGGGTCAAAACAAGCTTCCCGTGGTTTCTCTGTGGAAGAAATGAATGTAAACT-3'
Protein context (NP_150094.5, residues 1560-1580): PREACFDPGN[Ile1570Thr]MNGTRVGTDF